The following is an entry in ClinVar:

NM_002529.4(NTRK1):c.1177+1G>A

Gene: NTRK1 (neurotrophic receptor tyrosine kinase 1; plus strand). Cytogenetic location: 1q23.1.
Variant type: single nucleotide variant.
Coding change: c.1177+1G>A on transcript NM_002529.4 (MANE Select); the canonical splice donor site of the intron after coding-DNA position 1177, G replaced by A.
Molecular consequence: splice donor variant.
Genome position (GRCh38, 1-based): chr1:156,873,960, G>A. VCF-style: chr1-156873960-G-A. GRCh37 (hg19) VCF-style: chr1-156843752-G-A.
Other names: c.1087+1G>A (NM_001007792.1); c.1177+1G>A (NM_001012331.2).
Identifiers: ClinVar variation 3639720 (VCV003639720.3).

ClinVar aggregate classification (germline): Conflicting classifications of pathogenicity. Review status: criteria provided, conflicting classifications (1 of 4 stars). 2 submissions from 2 submitters: Likely pathogenic (1); Uncertain significance (1). Last evaluated 2026-08-19.

Conditions:
Hereditary insensitivity to pain with anhidrosis (CIPA). Also called: HSAN Type IV; NTRK1 Congenital Insensitivity to Pain with Anhidrosis; INSENSITIVITY TO PAIN, CONGENITAL, WITH ANHIDROSIS; FAMILIAL DYSAUTONOMIA, TYPE II; NEUROPATHY, CONGENITAL SENSORY, WITH ANHIDROSIS; hereditary sensory and autonomic neuropathy type 4. Identifiers: Orphanet 642, MedGen C0020074, MONDO:0009746, OMIM 256800.

gnomAD v4.1: 1 of 1,552,212 alleles (0.000064%); highest among the groups gnomAD compares: South Asian, 0.0012%; no homozygotes.

Submissions (2):

Myriad Genetics, Inc.
Classification: Uncertain significance for Hereditary insensitivity to pain with anhidrosis. Last evaluated: 2026-08-19. Review status: criteria provided, single submitter. Criteria: Myriad Autosomal Dominant, Autosomal Recessive and X-Linked Classification Criteria (2023). Collection method: clinical testing. Allele origin: unknown.
Comment: NM_002529.3(NTRK1):c.1177+1G>A is a variant in a canonical splice site classified as a variant of uncertain significance in the context of congenital insensitivity to pain with anhidrosis, NTRK1-related. c.1177+1G>A has not been observed in cases with relevant disease. Relevant functional assessments of this variant are not available in the literature. c.1177+1G>A has been observed in referenced population frequency databases. In summary, there is insufficient evidence to classify NM_002529.3(NTRK1):c.1177+1G>A as pathogenic or benign. Please note: this variant was assessed in the context of healthy population screening.

Labcorp Genetics (formerly Invitae), Labcorp
Classification: Likely pathogenic for Hereditary insensitivity to pain with anhidrosis. Last evaluated: 2024-02-17. Review status: criteria provided, single submitter. Criteria: Invitae Variant Classification Sherloc (09022015). Collection method: clinical testing. Allele origin: germline.
Comment: This sequence change affects a donor splice site in intron 8 of the NTRK1 gene. It is expected to disrupt RNA splicing. Variants that disrupt the donor or acceptor splice site typically lead to a loss of protein function (PMID: 16199547), and loss-of-function variants in NTRK1 are known to be pathogenic (PMID: 10982191). The frequency data for this variant in the population databases is considered unreliable, as metrics indicate poor data quality at this position in the gnomAD database. This variant has not been reported in the literature in individuals affected with NTRK1-related conditions. Algorithms developed to predict the effect of sequence changes on RNA splicing suggest that this variant may disrupt the consensus splice site. In summary, the currently available evidence indicates that the variant is pathogenic, but additional data are needed to prove that conclusively. Therefore, this variant has been classified as Likely Pathogenic.

Literature cited by the submitters: PubMed 16199547 (cited by Labcorp Genetics (formerly Invitae), Labcorp); PubMed 10982191 (cited by Labcorp Genetics (formerly Invitae), Labcorp).